The following is an entry in ClinVar:

ClinVar aggregate classification (germline): Pathogenic (0 of 4 stars; one submission).

Conditions:
Cutis laxa, autosomal recessive, type 2E. Also called: CUTIS LAXA, AUTOSOMAL RECESSIVE, TYPE IIE. Identifiers: MedGen C5561944, MONDO:0030337, OMIM 619451.

Submission:

OMIM
Classification: Pathogenic for CUTIS LAXA, AUTOSOMAL RECESSIVE, TYPE IIE. Last evaluated: 2025-10-13. Review status: no assertion criteria provided. Collection method: literature only. Allele origin: germline.

Literature cited by the submitters: Pottie, L., Adamo, C. S., Beyens, A., Lutke, S., Tapaneeyaphan, P., De Clercq, A., Salmon, P. L., De Rycke, R., Gezdirici, A., Gulec, E. Y., Khan, N., Urquhart, J. E., and 17 others Bi-allelic premature truncating variants in LTBP1 cause cutis laxa syndrome. Am. J. Hum. Genet. 108: 1095-1114, 2021. Note: Erratum: Am. J. Hum. Genet. 108: 2386-2388, 2021..

NM_206943.4(LTBP1):c.3991dup (p.Thr1331fs)

Gene: LTBP1 (latent transforming growth factor beta binding protein 1; plus strand). Cytogenetic location: 2p22.3.
Variant type: Duplication.
Coding change: c.3991dup on transcript NM_206943.4 (MANE Select); coding-DNA position 3991, one base duplicated (A; older notation c.3991dupA).
Protein change: p.Thr1331fs; shifts the reading frame from threonine 1331.
Molecular consequence: frameshift variant. On other transcripts: intron variant (6).
Genome position (GRCh38, 1-based): chr2:33,347,501, A duplicated. VCF-style (leftmost placement, unchanged base first): chr2-33347500-G-GA. GRCh37 (hg19) VCF-style: chr2-33572567-G-GA.
Other names: LTBP1, 1-BP DUP, NT3991; c.2878+4538dup (NM_001394912.1); c.2753-13096dup (NM_001394918.1); c.2750-13096dup (NM_001394919.1); c.2594-13096dup (NM_001394925.1); c.2593+4538dup (NM_001394926.1); c.2468-13096dup (NM_001394927.1); c.2851dup, p.Thr951fs (NM_001394913.1); and 15 more; short protein forms T1004fs, T1005fs, T1278fs, T1331fs, T868fs, T870fs, T909fs, T910fs.
Identifiers: ClinVar variation 1344546 (VCV001344546.10), dbSNP rs2149767574, ClinGen allele CA2573134625.
Genomic context (GRCh38, chr2:33,347,500, plus strand): 5'-GTGCGTGTGTGCTGATGAAAACCAAGAGTACAGCCCCATGACTGGGCAGTGCCGCTCCCG[G>GA]ACCTCCACAGGTAAGTCCCAGTGACACTGTGCAAGGGAATGACAGGCTCCTCTCAAAGAC-3'